The following is an entry in ClinVar:

NM_000435.3(NOTCH3):c.6443T>G (p.Leu2148Arg)

Gene: NOTCH3 (notch receptor 3; minus strand). Cytogenetic location: 19p13.12.
Variant type: single nucleotide variant.
Coding change: c.6443T>G on transcript NM_000435.3 (MANE Select); coding-DNA position 6443, T replaced by G.
Protein change: p.Leu2148Arg; replaces leucine 2148 with arginine.
Molecular consequence: missense variant.
Genome position (GRCh38, 1-based): chr19:15,161,185, A>C on the plus strand (T>G on the coding strand, the complement: NOTCH3 is on the minus strand). VCF-style: chr19-15161185-A-C. GRCh37 (hg19) VCF-style: chr19-15271996-A-C.
Other names: short protein forms L2148R.
Identifiers: ClinVar variation 1311012 (VCV001311012.3), dbSNP rs2145381386, ClinGen allele CA404488197.

ClinVar aggregate classification (germline): Uncertain significance (1 of 4 stars; one submission).

Submission:

GeneDx
Classification: Uncertain significance. Last evaluated: 2024-09-24. Review status: criteria provided, single submitter. Criteria: GeneDx Variant Classification Process June 2021. Collection method: clinical testing. Allele origin: germline. Affected: yes.
Comment: Not observed at significant frequency in large population cohorts (gnomAD); In silico analysis indicates that this missense variant does not alter protein structure/function; Has not been previously published as pathogenic or benign to our knowledge